The following is an entry in ClinVar:

NM_000260.4(MYO7A):c.3981G>C (p.Glu1327Asp)

Gene: MYO7A (myosin VIIA; plus strand). Cytogenetic location: 11q13.5.
Variant type: single nucleotide variant.
Coding change: c.3981G>C on transcript NM_000260.4 (MANE Select); coding-DNA position 3981, G replaced by C.
Protein change: p.Glu1327Asp; replaces glutamic acid 1327 with aspartic acid.
Molecular consequence: missense variant.
Genome position (GRCh38, 1-based): chr11:77,192,107, G>C. VCF-style: chr11-77192107-G-C. GRCh37 (hg19) VCF-style: chr11-76903152-G-C.
Other names: c.3981G>C, p.Glu1327Asp (NM_001127180.2); c.3948G>C, p.Glu1316Asp (NM_001369365.1); short protein forms E1327D, E1316D.
Identifiers: ClinVar variation 1487928 (VCV001487928.6), dbSNP rs2135575577, ClinGen allele CA381948632.

ClinVar aggregate classification (germline): Likely pathogenic (1 of 4 stars; one submission).

Submission:

Labcorp Genetics (formerly Invitae), Labcorp
Classification: Likely pathogenic. Last evaluated: 2022-07-19. Review status: criteria provided, single submitter. Criteria: Invitae Variant Classification Sherloc (09022015). Collection method: clinical testing. Allele origin: germline.
Comment: In summary, the currently available evidence indicates that the variant is pathogenic, but additional data are needed to prove that conclusively. Therefore, this variant has been classified as Likely Pathogenic. ClinVar contains an entry for this variant (Variation ID: 1487928). This variant disrupts the p.Glu1327 amino acid residue in MYO7A. Other variant(s) that disrupt this residue have been determined to be pathogenic (PMID: 16470552, 20513143; Invitae). This suggests that this residue is clinically significant, and that variants that disrupt this residue are likely to be disease-causing. Advanced modeling of protein sequence and biophysical properties (such as structural, functional, and spatial information, amino acid conservation, physicochemical variation, residue mobility, and thermodynamic stability) performed at Invitae indicates that this missense variant is expected to disrupt MYO7A protein function. This variant has not been reported in the literature in individuals affected with MYO7A-related conditions. This variant is not present in population databases (gnomAD no frequency). This sequence change replaces glutamic acid, which is acidic and polar, with aspartic acid, which is acidic and polar, at codon 1327 of the MYO7A protein (p.Glu1327Asp).

Literature cited by the submitters: PubMed 16470552; PubMed 20513143.